The following is an entry in ClinVar:

NM_152618.3(BBS12):c.1709A>C (p.His570Pro)

Gene: BBS12 (Bardet-Biedl syndrome 12; plus strand). Cytogenetic location: 4q27.
Variant type: single nucleotide variant.
Coding change: c.1709A>C on transcript NM_152618.3 (MANE Select); coding-DNA position 1709, A replaced by C.
Protein change: p.His570Pro; replaces histidine 570 with proline.
Molecular consequence: missense variant.
Genome position (GRCh38, 1-based): chr4:122,743,601, A>C. VCF-style: chr4-122743601-A-C. GRCh37 (hg19) VCF-style: chr4-123664756-A-C.
Other names: c.1709A>C, p.His570Pro (NM_001178007.2); c.1709A>C (NM_152618.2); short protein forms H570P.
Identifiers: ClinVar variation 2038886 (VCV002038886.4), dbSNP rs770047331, ClinGen allele CA3069497.

ClinVar aggregate classification (germline): Conflicting classifications of pathogenicity. Review status: criteria provided, conflicting classifications (1 of 4 stars). 3 submissions from 3 submitters: Uncertain significance (2); Likely benign (1). Last evaluated 2025-03-26.

Conditions:
Inborn genetic diseases. Identifiers: MedGen C0950123, MeSH D030342.
Bardet-Biedl syndrome (BBS). Identifiers: Orphanet 110, MedGen C0752166, MONDO:0015229.
BBS12-related disorder. Also called: BBS12-related condition.

Allele frequency attached by ClinVar (database versions not stated): ExAC 0.00001.
gnomAD v4.1: 10 of 1,614,230 alleles (0.00062%); highest among the groups gnomAD compares: Non-Finnish European, 0.00085%; no homozygotes.

Submissions (3):

PreventionGenetics, part of Exact Sciences
Classification: Uncertain significance for BBS12-related condition. Last evaluated: 2025-03-26. Review status: criteria provided, single submitter. Criteria: ACMG Guidelines, 2015. Collection method: clinical testing. Allele origin: germline.
Comment: The BBS12 c.1709A>C variant is predicted to result in the amino acid substitution p.His570Pro. To our knowledge, this variant has not been reported in the literature. This variant is reported in 0.0035% of alleles in individuals of European (Non-Finnish) descent in gnomAD. At this time, the clinical significance of this variant is uncertain due to the absence of conclusive functional and genetic evidence.

Ambry Genetics
Classification: Likely benign for Inborn genetic diseases. Last evaluated: 2024-11-12. Review status: criteria provided, single submitter. Criteria: Ambry Variant Classification Scheme 2023. Collection method: clinical testing. Allele origin: germline.

Labcorp Genetics (formerly Invitae), Labcorp
Classification: Uncertain significance for Bardet-Biedl syndrome. Last evaluated: 2022-08-19. Review status: criteria provided, single submitter. Criteria: Invitae Variant Classification Sherloc (09022015). Collection method: clinical testing. Allele origin: germline.
Comment: This sequence change replaces histidine, which is basic and polar, with proline, which is neutral and non-polar, at codon 570 of the BBS12 protein (p.His570Pro). This variant is present in population databases (rs770047331, gnomAD 0.004%). This variant has not been reported in the literature in individuals affected with BBS12-related conditions. Algorithms developed to predict the effect of missense changes on protein structure and function output the following: SIFT: "Tolerated"; PolyPhen-2: "Benign"; Align-GVGD: "Class C0". The proline amino acid residue is found in multiple mammalian species, which suggests that this missense change does not adversely affect protein function. In summary, the available evidence is currently insufficient to determine the role of this variant in disease. Therefore, it has been classified as a Variant of Uncertain Significance.